The following is an entry in ClinVar:

NM_005908.4(MANBA):c.1517G>A (p.Ser506Asn)

Gene: MANBA (mannosidase beta; minus strand). Cytogenetic location: 4q24.
Variant type: single nucleotide variant.
Coding change: c.1517G>A on transcript NM_005908.4 (MANE Select); coding-DNA position 1517, G replaced by A.
Protein change: p.Ser506Asn; replaces serine 506 with asparagine.
Molecular consequence: missense variant.
Genome position (GRCh38, 1-based): chr4:102,657,869, C>T on the plus strand (G>A on the coding strand, the complement: MANBA is on the minus strand). VCF-style: chr4-102657869-C-T. GRCh37 (hg19) VCF-style: chr4-103579026-C-T.
Other names: short protein forms S506N.
Identifiers: ClinVar variation 2083919 (VCV002083919.2), dbSNP rs747961175, ClinGen allele CA3026867.

ClinVar aggregate classification (germline): Uncertain significance. Review status: criteria provided, multiple submitters, no conflicts (2 of 4 stars). 2 submissions from 2 submitters: Uncertain significance (2). Last evaluated 2025-02-26.

Conditions:
Beta-D-mannosidosis (MANSB). Also called: Beta-Mannosidosis; MANNOSIDOSIS, BETA A, LYSOSOMAL; BETA-MANNOSIDASE DEFICIENCY; LYSOSOMAL BETA-MANNOSIDASE DEFICIENCY. Identifiers: Orphanet 118, MedGen C4048196, MONDO:0009562, OMIM 248510.

Allele frequency attached by ClinVar (database versions not stated): gnomAD 0.00001; gnomAD exomes 0.00001; ExAC 0.00001; TOPMed 0.00001.

Submissions (2):

Women's Health and Genetics/Laboratory Corporation of America, LabCorp
Classification: Uncertain significance. Last evaluated: 2025-02-26. Review status: criteria provided, single submitter. Criteria: LabCorp Variant Classification Summary - May 2015. Collection method: clinical testing. Allele origin: germline.
Comment: Variant summary: MANBA c.1517G>A (p.Ser506Asn) results in a conservative amino acid change located in the Glycosyl hydrolases family 2, TIM barrel domain (IPR006103) of the encoded protein sequence. Four of five in-silico tools predict a damaging effect of the variant on protein function. The variant allele was found at a frequency of 1.6e-05 in 251102 control chromosomes. The available data on variant occurrences in the general population are insufficient to allow any conclusion about variant significance. To our knowledge, no occurrence of c.1517G>A in individuals affected with Beta-D-mannosidosis and no experimental evidence demonstrating its impact on protein function have been reported. ClinVar contains an entry for this variant (Variation ID: 2083919). Based on the evidence outlined above, the variant was classified as uncertain significance.

Labcorp Genetics (formerly Invitae), Labcorp
Classification: Uncertain significance for Beta-D-mannosidosis. Last evaluated: 2022-04-30. Review status: criteria provided, single submitter. Criteria: Invitae Variant Classification Sherloc (09022015). Collection method: clinical testing. Allele origin: germline.
Comment: This sequence change replaces serine, which is neutral and polar, with asparagine, which is neutral and polar, at codon 506 of the MANBA protein (p.Ser506Asn). This variant is present in population databases (rs747961175, gnomAD 0.004%). This variant has not been reported in the literature in individuals affected with MANBA-related conditions. Algorithms developed to predict the effect of missense changes on protein structure and function are either unavailable or do not agree on the potential impact of this missense change (SIFT: "Deleterious"; PolyPhen-2: "Probably Damaging"; Align-GVGD: "Class C0"). In summary, the available evidence is currently insufficient to determine the role of this variant in disease. Therefore, it has been classified as a Variant of Uncertain Significance.